The following is an entry in ClinVar:

NM_015991.4(C1QA):c.7G>C (p.Gly3Arg)

Gene: C1QA (complement C1q A chain; plus strand). Cytogenetic location: 1p36.12.
Variant type: single nucleotide variant.
Coding change: c.7G>C on transcript NM_015991.4 (MANE Select); coding-DNA position 7, G replaced by C.
Protein change: p.Gly3Arg; replaces glycine 3 with arginine.
Molecular consequence: missense variant.
Genome position (GRCh38, 1-based): chr1:22,637,623, G>C. VCF-style: chr1-22637623-G-C. GRCh37 (hg19) VCF-style: chr1-22964116-G-C.
Other names: c.7G>C, p.Gly3Arg (NM_001347465.2, NM_001347466.2); short protein forms G3R.
Identifiers: ClinVar variation 2813906 (VCV002813906.3), dbSNP rs2148289882, ClinGen allele CA338926799.

ClinVar aggregate classification (germline): Uncertain significance (1 of 4 stars; one submission).

Submission:

Labcorp Genetics (formerly Invitae), Labcorp
Classification: Uncertain significance. Last evaluated: 2023-12-18. Review status: criteria provided, single submitter. Criteria: Invitae Variant Classification Sherloc (09022015). Collection method: clinical testing. Allele origin: germline.
Comment: This sequence change replaces glycine, which is neutral and non-polar, with arginine, which is basic and polar, at codon 3 of the C1QA protein (p.Gly3Arg). This variant is not present in population databases (gnomAD no frequency). This variant has not been reported in the literature in individuals affected with C1QA-related conditions. An algorithm developed to predict the effect of missense changes on protein structure and function (PolyPhen-2) suggests that this variant is likely to be tolerated. In summary, the available evidence is currently insufficient to determine the role of this variant in disease. Therefore, it has been classified as a Variant of Uncertain Significance.